The following is an entry in ClinVar:

NM_002439.5(MSH3):c.1454-1G>T

Gene: MSH3 (mutS homolog 3; plus strand). Cytogenetic location: 5q14.1.
Variant type: single nucleotide variant.
Coding change: c.1454-1G>T on transcript NM_002439.5 (MANE Select); the canonical splice acceptor site of the intron before coding-DNA position 1454, G replaced by T.
Molecular consequence: splice acceptor variant.
Genome position (GRCh38, 1-based): chr5:80,728,850, G>T. VCF-style: chr5-80728850-G-T. GRCh37 (hg19) VCF-style: chr5-80024669-G-T.
Identifiers: ClinVar variation 2673484 (VCV002673484.2), dbSNP rs2112857805, ClinGen allele CA360274139.

ClinVar aggregate classification (germline): Uncertain significance (1 of 4 stars; one submission).

Conditions:
Familial adenomatous polyposis 4 (FAP4). Also called: MSH3-related attenuated familial adenomatous polyposis. Identifiers: Orphanet 480536, MedGen C4310719, MONDO:0044300, OMIM 617100.

Submission:

Myriad Genetics, Inc.
Classification: Uncertain significance for Familial adenomatous polyposis 4. Last evaluated: 2026-02-06. Review status: criteria provided, single submitter. Criteria: Myriad Autosomal Dominant, Autosomal Recessive and X-Linked Classification Criteria (2023). Collection method: clinical testing. Allele origin: unknown.
Comment: This variant is classified as a variant of uncertain significance as there is insufficient evidence to determine its impact on protein function and/or cancer risk.